The following is an entry in ClinVar:

NM_002340.6(LSS):c.733G>A (p.Ala245Thr)

Gene: LSS (lanosterol synthase; minus strand). Cytogenetic location: 21q22.3.
Variant type: single nucleotide variant.
Coding change: c.733G>A on transcript NM_002340.6 (MANE Select); coding-DNA position 733, G replaced by A.
Protein change: p.Ala245Thr; replaces alanine 245 with threonine.
Molecular consequence: missense variant.
Genome position (GRCh38, 1-based): chr21:46,216,439, C>T on the plus strand (G>A on the coding strand, the complement: LSS is on the minus strand). VCF-style: chr21-46216439-C-T. GRCh37 (hg19) VCF-style: chr21-47636353-C-T.
Other names: c.733G>A, p.Ala245Thr (NM_001001438.3); c.700G>A, p.Ala234Thr (NM_001145436.2); c.493G>A, p.Ala165Thr (NM_001145437.2); short protein forms A165T, A245T, A234T.
Identifiers: ClinVar variation 1983903 (VCV001983903.4), dbSNP rs553607050, ClinGen allele CA10075353.

ClinVar aggregate classification (germline): Uncertain significance (1 of 4 stars; one submission).

Allele frequency attached by ClinVar (database versions not stated): gnomAD exomes 0.00001; TOPMed 0.00004; ExAC 0.00005; gnomAD 0.00007; 1000 Genomes Project 0.00040; 1000 Genomes Project 30x 0.00047.
gnomAD v4.1: 26 of 1,613,800 alleles (0.0016%); highest among the groups gnomAD compares: Admixed American, 0.013%; no homozygotes.

Submission:

Labcorp Genetics (formerly Invitae), Labcorp
Classification: Uncertain significance. Last evaluated: 2023-06-15. Review status: criteria provided, single submitter. Criteria: Invitae Variant Classification Sherloc (09022015). Collection method: clinical testing. Allele origin: germline.
Comment: In summary, the available evidence is currently insufficient to determine the role of this variant in disease. Therefore, it has been classified as a Variant of Uncertain Significance. An algorithm developed to predict the effect of missense changes on protein structure and function (PolyPhen-2) suggests that this variant is likely to be tolerated. ClinVar contains an entry for this variant (Variation ID: 1983903). This variant has not been reported in the literature in individuals affected with LSS-related conditions. This variant is present in population databases (rs553607050, gnomAD 0.02%). This sequence change replaces alanine, which is neutral and non-polar, with threonine, which is neutral and polar, at codon 245 of the LSS protein (p.Ala245Thr).